The following is an entry in ClinVar:

ClinVar aggregate classification (germline): Uncertain significance (1 of 4 stars; one submission).

Conditions:
Tumor predisposition syndrome 3 (TPDS3). Also called: Glioma susceptibility 9; LONG TELOMERE SYNDROME, POT1-RELATED; POT1 Tumor Predisposition; Melanoma, cutaneous malignant, susceptibility to, 10. Identifiers: Orphanet 618, MedGen C4014476, MONDO:0014368, OMIM 615848.

Allele frequency attached by ClinVar (database versions not stated): gnomAD exomes below 0.00001; ExAC 0.00001.
gnomAD v4.1: 1 of 1,610,014 alleles (0.000062%); highest among the groups gnomAD compares: East Asian, 0.0022%; no homozygotes.

Submission:

Labcorp Genetics (formerly Invitae), Labcorp
Classification: Uncertain significance for Tumor predisposition syndrome 3. Last evaluated: 2019-11-30. Review status: criteria provided, single submitter. Criteria: Invitae Variant Classification Sherloc (09022015). Collection method: clinical testing. Allele origin: germline.
Comment: This variant has not been reported in the literature in individuals with POT1-related conditions. In summary, the available evidence is currently insufficient to determine the role of this variant in disease. Therefore, it has been classified as a Variant of Uncertain Significance. Algorithms developed to predict the effect of missense changes on protein structure and function are either unavailable or do not agree on the potential impact of this missense change (SIFT: "Deleterious"; PolyPhen-2: "Probably Damaging"; Align-GVGD: "Class C0"). This variant is present in population databases (rs763187597, ExAC 0.01%). This sequence change replaces cysteine with phenylalanine at codon 59 of the POT1 protein (p.Cys59Phe). The cysteine residue is highly conserved and there is a large physicochemical difference between cysteine and phenylalanine.

NM_015450.3(POT1):c.176G>T (p.Cys59Phe)

Gene: POT1 (protection of telomeres 1; minus strand). Cytogenetic location: 7q31.33.
Variant type: single nucleotide variant.
Coding change: c.176G>T on transcript NM_015450.3 (MANE Select); coding-DNA position 176, G replaced by T.
Protein change: p.Cys59Phe; replaces cysteine 59 with phenylalanine.
Molecular consequence: missense variant. On other transcripts: non-coding transcript variant (3), intron variant (1).
Genome position (GRCh38, 1-based): chr7:124,870,990, C>A on the plus strand (G>T on the coding strand, the complement: POT1 is on the minus strand). VCF-style: chr7-124870990-C-A. GRCh37 (hg19) VCF-style: chr7-124511044-C-A.
Other names: c.-138-7350G>T (NM_001042594.2); short protein forms C59F.
Identifiers: ClinVar variation 845015 (VCV000845015.10), dbSNP rs763187597, ClinGen allele CA4465491.